The following is an entry in ClinVar:

NM_138459.5(NUS1):c.732C>T (p.Phe244=)

Gene: NUS1 (NUS1 dehydrodolichyl diphosphate synthase subunit; plus strand). Cytogenetic location: 6q22.1.
Variant type: single nucleotide variant.
Coding change: c.732C>T on transcript NM_138459.5 (MANE Select); coding-DNA position 732, C replaced by T.
Protein change: p.Phe244=; no amino-acid change (phenylalanine 244 retained).
Molecular consequence: synonymous variant.
Genome position (GRCh38, 1-based): chr6:117,703,645, C>T. VCF-style: chr6-117703645-C-T. GRCh37 (hg19) VCF-style: chr6-118024808-C-T.
Identifiers: ClinVar variation 710693 (VCV000710693.31), dbSNP rs142549647, ClinGen allele CA3977185.

ClinVar aggregate classification (germline): Benign/Likely benign. Review status: criteria provided, multiple submitters, no conflicts (2 of 4 stars). 3 submissions from 3 submitters: Benign (1); Likely benign (2). Last evaluated 2025-11-02.

Conditions:
Congenital disorder of glycosylation, type Iaa. Also called: Congenital disorder of glycosylation, type 1aa. Identifiers: MedGen C4310727, MONDO:0014904, OMIM 617082.

Allele frequency attached by ClinVar (database versions not stated): gnomAD exomes 0.00005 and 0.00010; ESP Exome Variant Server 0.00008; TOPMed 0.00008; gnomAD 0.00011; ExAC 0.00012.
gnomAD v4.1: 106 of 1,613,682 alleles (0.0066%); highest among the groups gnomAD compares: Middle Eastern, 0.016%; no homozygotes.

Submissions (3):

Labcorp Genetics (formerly Invitae), Labcorp
Classification: Benign for Congenital disorder of glycosylation, type Iaa. Last evaluated: 2025-11-02. Review status: criteria provided, single submitter. Criteria: Invitae Variant Classification Sherloc (09022015). Collection method: clinical testing. Allele origin: germline.

Blueprint Genetics
Classification: Likely benign. Last evaluated: 2024-10-21. Review status: criteria provided, single submitter. Criteria: ACMG Guidelines, 2015. Collection method: clinical testing. Allele origin: germline.

CeGaT Center for Human Genetics Tuebingen
Classification: Likely benign. Last evaluated: 2022-05-01. Review status: criteria provided, single submitter. Criteria: CeGaT Center For Human Genetics Tuebingen Variant Classification Criteria Version 2. Collection method: clinical testing. Allele origin: germline. Affected: yes. Observed: 1 variant allele.
Comment: NUS1: BP4, BP7